The following is an entry in ClinVar:

NM_020821.3(VPS13C):c.8591G>A (p.Arg2864Gln)

Gene: VPS13C (vacuolar protein sorting 13 homolog C; minus strand). Cytogenetic location: 15q22.2.
Variant type: single nucleotide variant.
Coding change: c.8591G>A on transcript NM_020821.3 (MANE Select); coding-DNA position 8591, G replaced by A.
Protein change: p.Arg2864Gln; replaces arginine 2864 with glutamine.
Molecular consequence: missense variant.
Genome position (GRCh38, 1-based): chr15:61,911,964, C>T on the plus strand (G>A on the coding strand, the complement: VPS13C is on the minus strand). VCF-style: chr15-61911964-C-T. GRCh37 (hg19) VCF-style: chr15-62204163-C-T.
Other names: c.8591G>A, p.Arg2864Gln (NM_001018088.3); c.8462G>A, p.Arg2821Gln (NM_017684.5, NM_018080.4); short protein forms R2821Q, R2864Q.
Identifiers: ClinVar variation 1938756 (VCV001938756.2), dbSNP rs147773344, ClinGen allele CA7594937.

ClinVar aggregate classification (germline): Uncertain significance (1 of 4 stars; one submission).

Allele frequency attached by ClinVar (database versions not stated): ExAC 0.00002; TOPMed 0.00002; gnomAD exomes 0.00003; ESP Exome Variant Server 0.00008; 1000 Genomes Project 0.00020; 1000 Genomes Project 30x 0.00031.
gnomAD v4.1: 51 of 1,610,194 alleles (0.0032%); highest among the groups gnomAD compares: Admixed American, 0.0067%; no homozygotes.

Submission:

Labcorp Genetics (formerly Invitae), Labcorp
Classification: Uncertain significance. Last evaluated: 2021-12-09. Review status: criteria provided, single submitter. Criteria: Invitae Variant Classification Sherloc (09022015). Collection method: clinical testing. Allele origin: germline.
Comment: This sequence change replaces arginine, which is basic and polar, with glutamine, which is neutral and polar, at codon 2864 of the VPS13C protein (p.Arg2864Gln). This variant is present in population databases (rs147773344, gnomAD 0.009%). This variant has not been reported in the literature in individuals affected with VPS13C-related conditions. Algorithms developed to predict the effect of missense changes on protein structure and function are either unavailable or do not agree on the potential impact of this missense change (SIFT: "Deleterious"; PolyPhen-2: "Probably Damaging"; Align-GVGD: "Class C0"). In summary, the available evidence is currently insufficient to determine the role of this variant in disease. Therefore, it has been classified as a Variant of Uncertain Significance.